The following is an entry in ClinVar:

NM_173630.4(RTTN):c.3373G>A (p.Ala1125Thr)

Gene: RTTN (rotatin; minus strand). Cytogenetic location: 18q22.2.
Variant type: single nucleotide variant.
Coding change: c.3373G>A on transcript NM_173630.4 (MANE Select); coding-DNA position 3373, G replaced by A.
Protein change: p.Ala1125Thr; replaces alanine 1125 with threonine.
Molecular consequence: missense variant.
Genome position (GRCh38, 1-based): chr18:70,127,512, C>T on the plus strand (G>A on the coding strand, the complement: RTTN is on the minus strand). VCF-style: chr18-70127512-C-T. GRCh37 (hg19) VCF-style: chr18-67794748-C-T.
Other names: c.637G>A, p.Ala213Thr (NM_001318520.2); short protein forms A1125T, A213T.
Identifiers: ClinVar variation 1341737 (VCV001341737.8), dbSNP rs183531175, ClinGen allele CA8995610.
Genomic context (GRCh38, chr18:70,127,512, plus strand): 5'-TACAATGCAATCCAGGTCTTTGAAACTGGCAGCCTTGACCTTACACTGACCTGTTTAGTG[C>T]GGTGTGCCAAGCCAAGGACTTCAAGGTAACCCCACATGGACCAGGGCAACCCTTTAAAGA-3'
Protein context (NP_775901.3, residues 1115-1135): VTLKSLAWHT[Ala1125Thr]LNRFLQVLPA

ClinVar aggregate classification (germline): Uncertain significance. Review status: criteria provided, multiple submitters, no conflicts (2 of 4 stars). 4 submissions from 4 submitters: Uncertain significance (4). Last evaluated 2026-01-05.

Conditions:
Microcephalic primordial dwarfism due to RTTN deficiency (MSSP). Also called: Microcephaly, short stature, and polymicrogyria with or without seizures; MICROCEPHALY, SHORT STATURE, AND POLYMICROGYRIA. Identifiers: Orphanet 468631, MedGen C3553831, MONDO:0018764, OMIM 614833.
Inborn genetic diseases. Identifiers: MedGen C0950123, MeSH D030342.

Allele frequency attached by ClinVar (database versions not stated): ExAC 0.00012; ESP Exome Variant Server 0.00016; 1000 Genomes Project 0.00040; 1000 Genomes Project 30x 0.00062.
gnomAD v4.1: 178 of 1,613,156 alleles (0.011%); highest among the groups gnomAD compares: East Asian, 0.033%; no homozygotes.

Submissions (4):

Labcorp Genetics (formerly Invitae), Labcorp
Classification: Uncertain significance. Last evaluated: 2026-01-05. Review status: criteria provided, single submitter. Criteria: Invitae Variant Classification Sherloc (09022015). Collection method: clinical testing. Allele origin: germline.
Comment: This sequence change replaces alanine, which is neutral and non-polar, with threonine, which is neutral and polar, at codon 1125 of the RTTN protein (p.Ala1125Thr). This variant is present in population databases (rs183531175, gnomAD 0.04%). This variant has not been reported in the literature in individuals affected with RTTN-related conditions. ClinVar contains an entry for this variant (Variation ID: 1341737). Invitae Evidence Modeling of protein sequence and biophysical properties (such as structural, functional, and spatial information, amino acid conservation, physicochemical variation, residue mobility, and thermodynamic stability) indicates that this missense variant is not expected to disrupt RTTN protein function with a negative predictive value of 80%. In summary, the available evidence is currently insufficient to determine the role of this variant in disease. Therefore, it has been classified as a Variant of Uncertain Significance.

Women's Health and Genetics/Laboratory Corporation of America, LabCorp
Classification: Uncertain significance. Last evaluated: 2025-07-09. Review status: criteria provided, single submitter. Criteria: LabCorp Variant Classification Summary - May 2015. Collection method: clinical testing. Allele origin: germline.
Comment: Variant summary: RTTN c.3373G>A (p.Ala1125Thr) results in a non-conservative amino acid change in the encoded protein sequence. Algorithms developed to predict the effect of missense changes on protein structure and function are either unavailable or do not agree on the potential impact of this missense change. The variant allele was found at a frequency of 9.7e-05 in 248414 control chromosomes. This frequency is not significantly higher than estimated for a pathogenic variant in RTTN causing Microcephalic Primordial Dwarfism Due To RTTN Deficiency, allowing no conclusion about variant significance. To our knowledge, no occurrence of c.3373G>A in individuals affected with Microcephalic Primordial Dwarfism Due To RTTN Deficiency and no experimental evidence demonstrating its impact on protein function have been reported. ClinVar contains an entry for this variant (Variation ID: 1341737). Based on the evidence outlined above, the variant was classified as uncertain significance.

Ambry Genetics
Classification: Uncertain significance for Inborn genetic diseases. Last evaluated: 2024-09-09. Review status: criteria provided, single submitter. Criteria: Ambry Variant Classification Scheme 2023. Collection method: clinical testing. Allele origin: germline.

New York Genome Center
Classification: Uncertain significance for Microcephalic primordial dwarfism due to RTTN deficiency. Last evaluated: 2020-12-29. Review status: criteria provided, single submitter. Criteria: NYGC Assertion Criteria 2020. Collection method: clinical testing. Allele origin: inherited. Observed: 1 compound heterozygote. Study: CSER-NYCKidSeq.
Comment: The c.3373G>A (p.Ala1125Thr) missense variant in exon 25 of 49 of RTTN has not been reported in affected individuals in the available literature. This variant is present in gnomAD v3 at a very low frequency (18 heterozygotes, allele frequency=0.0001184, no homozygotes) indicating it is not a common benign variant in the populations represented in this database. In silico predictors suggest this variant is benign (REVEL; score: 0.018) and tolerated (SIFT; score: 0.603). Given the lack of functional studies supporting its pathogenicity, the c.3373G>A (p.Ala1125Thr) variant identified in the RTTN gene is reported as a Variant of Uncertain Significance.